The following is an entry in ClinVar:

ClinVar aggregate classification (germline): Uncertain significance (1 of 4 stars; one submission).

Conditions:
Androgen resistance syndrome (AIS). Also called: Androgen insensitivity, complete; ANDROGEN RECEPTOR DEFICIENCY; DIHYDROTESTOSTERONE RECEPTOR DEFICIENCY; TESTICULAR FEMINIZATION SYNDROME; Androgen insensitivity; DHTR DEFICIENCY. Identifiers: Orphanet 754, Orphanet 99429, MedGen C0039585, MONDO:0019154, OMIM 300068. Disease mechanism: loss of function.

Submission:

Victorian Clinical Genetics Services, Murdoch Childrens Research Institute
Classification: Uncertain significance for Androgen resistance syndrome. Last evaluated: 2026-01-22. Review status: criteria provided, single submitter. Criteria: ACMG Guidelines, 2015. Collection method: clinical testing. Allele origin: germline. Affected: yes.
Comment: This variant is classified as VUS-3A. Evidence in support of pathogenic classification: Non-canonical splice site variant without proven consequence on splicing (no functional evidence available); Variant is absent from gnomAD (v2, v3 and v4); Abnormal splicing is predicted by in silico tool and affected nucleotide is highly conserved. Additional information: This variant is hemizygous; This gene is associated with X-linked recessive disease; This variant has no previous evidence of pathogenicity; No published evidence of segregation with disease has been identified for this variant; No published functional evidence has been identified for this variant; No comparable splice region variants have previous evidence for pathogenicity; Loss of function is a known mechanism of disease in this gene and is associated with androgen insensitivity (MIM#300068), androgen insensitivity, partial, with or without breast cancer (MIM#312300), hypospadias 1, X-linked (MIM#300633), and spinal and bulbar muscular atrophy, X-linked 1 (MIM#313200); Inheritance information for this variant is not currently available in this individual.

NM_000044.6(AR):c.2318+5G>T

Gene: AR (androgen receptor; plus strand). Cytogenetic location: Xq12.
Variant type: single nucleotide variant.
Coding change: c.2318+5G>T on transcript NM_000044.6 (MANE Select); 5 bases into the intron after coding-DNA position 2318, G replaced by T.
Molecular consequence: intron variant.
Genome position (GRCh38, 1-based): chrX:67,717,627, G>T. VCF-style: chrX-67717627-G-T. GRCh37 (hg19) VCF-style: chrX-66937469-G-T.
Other names: c.722+5G>T (NM_001011645.3).
Identifiers: ClinVar variation 4819053 (VCV004819053.1).